The following is an entry in ClinVar:

NM_000558.5(HBA1):c.6dup (p.Leu3fs)

Genes: HBA1 (hemoglobin subunit alpha 1; plus strand), LOC106804613 (hemoglobin subunit alpha 1 recombination region; plus strand). Cytogenetic location: 16p13.3.
Variant type: Duplication.
Coding change: c.6dup on transcript NM_000558.5 (MANE Select); coding-DNA position 6, one base duplicated (G; older notation c.6dupG).
Protein change: p.Leu3fs; shifts the reading frame from leucine 3.
Molecular consequence: frameshift variant.
Genome position (GRCh38, 1-based): chr16:176,722, G duplicated. VCF-style (leftmost placement, unchanged base first): chr16-176721-T-TG. GRCh37 (hg19) VCF-style: chr16-226720-T-TG.
Other names: short protein forms L3fs.
Identifiers: ClinVar variation 4069059 (VCV004069059.2).
Genomic context (GRCh38, chr16:176,721, plus strand): 5'-GGCGCGCTCGCGGCCCGGCACTCTTCTGGTCCCCACAGACTCAGAGAGAACCCACCATGG[T>TG]GCTGTCTCCTGCCGACAAGACCAACGTCAAGGCCGCCTGGGGTAAGGTCGGCGCGCACGC-3'

ClinVar aggregate classification (germline): Likely pathogenic (1 of 4 stars; one submission).

Conditions:
alpha Thalassemia. Also called: Alpha thalassemia spectrum. Identifiers: Orphanet 846, MedGen C0002312, MONDO:0011399, OMIM 604131.

Submission:

Natera, Inc.
Classification: Likely pathogenic for Alpha thalassemia. Last evaluated: 2025-02-04. Review status: criteria provided, single submitter. Criteria: Natera Variant Classification Schema (03/2026). Collection method: clinical testing. Allele origin: germline.
Comment: The c.6dup variant in HBA1 is a frameshift variant predicted to shift the reading frame beginning at codon 3 and leads to a stop codon 15 codons downstream. This variant is expected to result in nonsense mediated decay, truncation, or a dysfunctional protein product. This variant is rare in the general population with a frequency below the threshold expected for the associated phenotype(s). Given the available evidence, this variant is classified as Likely Pathogenic.